The following is an entry in ClinVar:

NM_005560.6(LAMA5):c.281C>A (p.Pro94His)

Gene: LAMA5 (laminin subunit alpha 5; minus strand). Cytogenetic location: 20q13.33.
Variant type: single nucleotide variant.
Coding change: c.281C>A on transcript NM_005560.6 (MANE Select); coding-DNA position 281, C replaced by A.
Protein change: p.Pro94His; replaces proline 94 with histidine.
Molecular consequence: missense variant.
Genome position (GRCh38, 1-based): chr20:62,366,965, G>T on the plus strand (C>A on the coding strand, the complement: LAMA5 is on the minus strand). VCF-style: chr20-62366965-G-T. GRCh37 (hg19) VCF-style: chr20-60942021-G-T.
Other names: c.281C>A (NM_005560.3); short protein forms P94H.
Identifiers: ClinVar variation 2171362 (VCV002171362.4), dbSNP rs756506862, ClinGen allele CA9944523.

ClinVar aggregate classification (germline): Uncertain significance. Review status: criteria provided, multiple submitters, no conflicts (2 of 4 stars). 2 submissions from 2 submitters: Uncertain significance (2). Last evaluated 2025-11-12.

Conditions:
Inborn genetic diseases. Identifiers: MedGen C0950123, MeSH D030342.

Allele frequency attached by ClinVar (database versions not stated): ExAC 0.00022; gnomAD 0.00007; TOPMed 0.00009.
gnomAD v4.1: 215 of 1,274,854 alleles (0.017%); highest among the groups gnomAD compares: Non-Finnish European, 0.02%; no homozygotes.

Submissions (2):

Ambry Genetics
Classification: Uncertain significance for Inborn genetic diseases. Last evaluated: 2025-11-12. Review status: criteria provided, single submitter. Criteria: Ambry Variant Classification Scheme 2023. Collection method: clinical testing. Allele origin: germline.

Labcorp Genetics (formerly Invitae), Labcorp
Classification: Uncertain significance. Last evaluated: 2022-06-18. Review status: criteria provided, single submitter. Criteria: Invitae Variant Classification Sherloc (09022015). Collection method: clinical testing. Allele origin: germline.
Comment: This sequence change replaces proline, which is neutral and non-polar, with histidine, which is basic and polar, at codon 94 of the LAMA5 protein (p.Pro94His). This variant is present in population databases (rs756506862, gnomAD 0.01%). This variant has not been reported in the literature in individuals affected with LAMA5-related conditions. Algorithms developed to predict the effect of missense changes on protein structure and function are either unavailable or do not agree on the potential impact of this missense change (SIFT: "Tolerated"; PolyPhen-2: "Probably Damaging"; Align-GVGD: "Class C0"). In summary, the available evidence is currently insufficient to determine the role of this variant in disease. Therefore, it has been classified as a Variant of Uncertain Significance.